The following is an entry in ClinVar:

NM_000322.5(PRPH2):c.646C>G (p.Pro216Ala)

Gene: PRPH2 (peripherin 2; minus strand). Cytogenetic location: 6p21.1.
Variant type: single nucleotide variant.
Coding change: c.646C>G on transcript NM_000322.5 (MANE Select); coding-DNA position 646, C replaced by G.
Protein change: p.Pro216Ala; replaces proline 216 with alanine.
Molecular consequence: missense variant.
Genome position (GRCh38, 1-based): chr6:42,704,547, G>C on the plus strand (C>G on the coding strand, the complement: PRPH2 is on the minus strand). VCF-style: chr6-42704547-G-C. GRCh37 (hg19) VCF-style: chr6-42672285-G-C.
Other names: short protein forms P216A.
Identifiers: ClinVar variation 844144 (VCV000844144.14), dbSNP rs61755805, ClinGen allele CA364135543.

ClinVar aggregate classification (germline): Pathogenic/Likely pathogenic. Review status: criteria provided, multiple submitters, no conflicts (2 of 4 stars). 4 submissions from 4 submitters: Pathogenic (1); Likely pathogenic (2). 1 of the submissions does not count toward it. Last evaluated 2023-07-21.

Conditions:
PRPH2-related disorder. Also called: PRPH2-related disorders; PRPH2-related condition. Identifiers: MedGen CN239395.
Retinal dystrophy. Also called: Inherited retinal dystrophy. Identifiers: Orphanet 71862, MedGen C0854723, MeSH D058499, MONDO:0019118, HP:0000556.

Allele frequency attached by ClinVar (database versions not stated): gnomAD exomes below 0.00001.
gnomAD v4.1: 1 of 1,614,182 alleles (0.000062%); highest among the groups gnomAD compares: South Asian, 0.0011%; no homozygotes.

Submissions (4):

Labcorp Genetics (formerly Invitae), Labcorp
Classification: Pathogenic for PRPH2-related disorder. Last evaluated: 2023-07-21. Review status: criteria provided, single submitter. Criteria: Invitae Variant Classification Sherloc (09022015). Collection method: clinical testing. Allele origin: germline.
Comment: This sequence change replaces proline, which is neutral and non-polar, with alanine, which is neutral and non-polar, at codon 216 of the PRPH2 protein (p.Pro216Ala). This variant is not present in population databases (gnomAD no frequency). This missense change has been observed in individuals with autosomal dominant retinitis pigmentosa (PMID: 19038374; Invitae). ClinVar contains an entry for this variant (Variation ID: 844144). Advanced modeling of protein sequence and biophysical properties (such as structural, functional, and spatial information, amino acid conservation, physicochemical variation, residue mobility, and thermodynamic stability) performed at Invitae indicates that this missense variant is expected to disrupt PRPH2 protein function. This variant disrupts the p.Pro216 amino acid residue in PRPH2. Other variant(s) that disrupt this residue have been determined to be pathogenic (PMID: 1684223, 12925772, 28076437). This suggests that this residue is clinically significant, and that variants that disrupt this residue are likely to be disease-causing. For these reasons, this variant has been classified as Pathogenic.

Blueprint Genetics
Classification: Likely pathogenic for PRPH2-related disorders. Last evaluated: 2017-09-24. Review status: criteria provided, single submitter. Criteria: ACMG Guidelines, 2015. Collection method: clinical testing. Allele origin: germline. Affected: yes. Observed: 1 variant allele.

Institute of Human Genetics, Univ. Regensburg, Univ. Regensburg
Classification: Likely pathogenic for Retinal dystrophy. Last evaluated: 2010-01-01. Review status: criteria provided, single submitter. Criteria: ACMG Guidelines, 2015. Collection method: clinical testing. Allele origin: germline. Affected: yes.

Leiden Open Variation Database
Classification: Likely pathogenic. Last evaluated: 2021-04-06. Review status: no assertion criteria provided. Collection method: curation. Allele origin: germline. Affected: yes. Not counted in ClinVar's aggregate classification.
Comment: Curator: Global Variome, with Curator vacancy. Submitter to LOVD: Manon Peeters.

Literature cited by the submitters: PubMed 19038374 (cited by 3 submitters); PubMed 1684223 (cited by Labcorp Genetics (formerly Invitae), Labcorp); PubMed 12925772 (cited by Labcorp Genetics (formerly Invitae), Labcorp); PubMed 28076437 (cited by Labcorp Genetics (formerly Invitae), Labcorp); PubMed 3441139 (cited by Institute of Human Genetics, Univ. Regensburg, Univ. Regensburg).